The following is an entry in ClinVar:

NM_000313.4(PROS1):c.964_965delinsCC (p.Arg322Pro)

Gene: PROS1 (protein S; minus strand). Cytogenetic location: 3q11.1.
Variant type: Indel.
Coding change: c.964_965delinsCC on transcript NM_000313.4 (MANE Select); coding-DNA positions 964 to 965, AG replaced by CC.
Protein change: p.Arg322Pro; replaces arginine 322 with proline.
Molecular consequence: missense variant.
Genome position (GRCh38, 1-based): chr3:93,896,576-93,896,577, CT replaced by GG on the plus strand (AG replaced by CC on the coding strand, the reverse complement: PROS1 is on the minus strand). VCF-style: chr3-93896576-CT-GG. GRCh37 (hg19) VCF-style: chr3-93615420-CT-GG.
Other names: c.1060_1061delinsCC, p.Arg354Pro (NM_001314077.2); short protein forms R322P, R354P.
Identifiers: ClinVar variation 2841937 (VCV002841937.3), dbSNP rs2472129668, ClinGen allele CA2739279868.

ClinVar aggregate classification (germline): Uncertain significance (1 of 4 stars; one submission).

Conditions:
Thrombophilia due to protein S deficiency, autosomal recessive (THPH6). Identifiers: Orphanet 743, MedGen C3281092, MONDO:0013791, OMIM 614514. Disease mechanism: loss of function.

Submission:

Labcorp Genetics (formerly Invitae), Labcorp
Classification: Uncertain significance for Thrombophilia due to protein S deficiency, autosomal recessive. Last evaluated: 2023-09-12. Review status: criteria provided, single submitter. Criteria: Invitae Variant Classification Sherloc (09022015). Collection method: clinical testing. Allele origin: germline.
Comment: This sequence change replaces arginine, which is basic and polar, with proline, which is neutral and non-polar, at codon 322 of the PROS1 protein (p.Arg322Pro). Information on the frequency of this variant in the gnomAD database is not available, as this variant may be reported differently in the database. This missense change has been observed in individual(s) with protein S deficiency disease (Invitae). An algorithm developed to predict the effect of missense changes on protein structure and function (PolyPhen-2) suggests that this variant is likely to be disruptive. In summary, the available evidence is currently insufficient to determine the role of this variant in disease. Therefore, it has been classified as a Variant of Uncertain Significance.